The following is an entry in ClinVar:

NM_000781.3(CYP11A1):c.1393C>T (p.Arg465Trp)

Gene: CYP11A1 (cytochrome P450 family 11 subfamily A member 1; minus strand). Cytogenetic location: 15q24.1.
Variant type: single nucleotide variant.
Coding change: c.1393C>T on transcript NM_000781.3 (MANE Select); coding-DNA position 1393, C replaced by T.
Protein change: p.Arg465Trp; replaces arginine 465 with tryptophan.
Molecular consequence: missense variant.
Genome position (GRCh38, 1-based): chr15:74,338,612, G>A on the plus strand (C>T on the coding strand, the complement: CYP11A1 is on the minus strand). VCF-style: chr15-74338612-G-A. GRCh37 (hg19) VCF-style: chr15-74630953-G-A.
Other names: c.919C>T, p.Arg307Trp (NM_001099773.2); short protein forms R465W, R307W.
Identifiers: ClinVar variation 2888346 (VCV002888346.3), dbSNP rs141235847, ClinGen allele CA7656277.

ClinVar aggregate classification (germline): Pathogenic (1 of 4 stars; one submission).

Allele frequency attached by ClinVar (database versions not stated): gnomAD 0.00001; ExAC 0.00002; gnomAD exomes 0.00002; TOPMed 0.00002; ESP Exome Variant Server 0.00008.
gnomAD v4.1: 28 of 1,614,004 alleles (0.0017%); highest among the groups gnomAD compares: Non-Finnish European, 0.002%; no homozygotes.

Submission:

Labcorp Genetics (formerly Invitae), Labcorp
Classification: Pathogenic. Last evaluated: 2023-08-18. Review status: criteria provided, single submitter. Criteria: Invitae Variant Classification Sherloc (09022015). Collection method: clinical testing. Allele origin: germline.
Comment: This variant is present in population databases (rs141235847, gnomAD 0.007%). This missense change has been observed in individual(s) with primary adrenal insufficiency (PMID: 30233493, 34976419). In at least one individual the data is consistent with being in trans (on the opposite chromosome) from a pathogenic variant. It has also been observed to segregate with disease in related individuals. Advanced modeling of protein sequence and biophysical properties (such as structural, functional, and spatial information, amino acid conservation, physicochemical variation, residue mobility, and thermodynamic stability) performed at Invitae indicates that this missense variant is expected to disrupt CYP11A1 protein function. Experimental studies have shown that this missense change affects CYP11A1 function (PMID: 30233493). For these reasons, this variant has been classified as Pathogenic. This sequence change replaces arginine, which is basic and polar, with tryptophan, which is neutral and slightly polar, at codon 465 of the CYP11A1 protein (p.Arg465Trp).

Literature cited by the submitters: PubMed 30233493; PubMed 34976419.